The following is an entry in ClinVar:

NM_005334.3(HCFC1):c.237C>A (p.Pro79=)

Gene: HCFC1 (host cell factor C1; minus strand). Cytogenetic location: Xq28.
Variant type: single nucleotide variant.
Coding change: c.237C>A on transcript NM_005334.3 (MANE Select); coding-DNA position 237, C replaced by A.
Protein change: p.Pro79=; no amino-acid change (proline 79 retained).
Molecular consequence: synonymous variant.
Genome position (GRCh38, 1-based): chrX:153,964,683, G>T on the plus strand (C>A on the coding strand, the complement: HCFC1 is on the minus strand). VCF-style: chrX-153964683-G-T. GRCh37 (hg19) VCF-style: chrX-153230134-G-T.
Identifiers: ClinVar variation 724854 (VCV000724854.11), dbSNP rs782481466, ClinGen allele CA10557713.
Genomic context (GRCh38, chrX:153,964,683, plus strand): 5'-CCCACCAAACACCAGGAGGCGAGTCCCGTCACACACGAAGCCATAGGCTGCACACCCAGG[G>T]GGAATGTCCCCCCTCACGGCTGGGATGAACCACTGGTTGGTTGCTGGGGAACAGAAGGAG-3'
Protein context (NP_005325.2, residues 69-89): WFIPAVRGDI[Pro79=]PGCAAYGFVC

ClinVar aggregate classification (germline): Likely benign. Review status: criteria provided, multiple submitters, no conflicts (2 of 4 stars). 3 submissions from 3 submitters: Likely benign (3). Last evaluated 2026-07-01.

Conditions:
Methylmalonic acidemia with homocystinuria, type cblX (MAHCX). Also called: INTELLECTUAL DEVELOPMENTAL DISORDER, X-LINKED 3. Identifiers: Orphanet 369962, MedGen C0796208, MONDO:0010657, OMIM 309541.

Allele frequency attached by ClinVar (database versions not stated): gnomAD exomes 0.00003; TOPMed 0.00004; ExAC 0.00013.
gnomAD v4.1: 31 of 1,197,096 alleles (0.0026%); highest among the groups gnomAD compares: Admixed American, 0.067%; no homozygotes.

Submissions (3):

CeGaT Center for Human Genetics Tuebingen
Classification: Likely benign. Last evaluated: 2026-07-01. Review status: criteria provided, single submitter. Criteria: CeGaT Center For Human Genetics Tuebingen Variant Classification Criteria Version 2. Collection method: clinical testing. Allele origin: germline. Affected: yes. Observed: 1 variant allele.
Comment: HCFC1: BP4, BP7, BS2

Labcorp Genetics (formerly Invitae), Labcorp
Classification: Likely benign for Methylmalonic acidemia with homocystinuria, type cblX. Last evaluated: 2025-09-02. Review status: criteria provided, single submitter. Criteria: Invitae Variant Classification Sherloc (09022015). Collection method: clinical testing. Allele origin: germline.

Genetic Services Laboratory, University of Chicago
Classification: Likely benign. Last evaluated: 2017-09-07. Review status: criteria provided, single submitter. Criteria: ACMG Guidelines, 2015. Collection method: clinical testing. Allele origin: germline. Affected: no.